The following is an entry in ClinVar:

NM_175737.4(KLB):c.2527T>C (p.Ser843Pro)

Genes: KLB (klotho beta; plus strand), LOC129992452 (ATAC-STARR-seq lymphoblastoid active region 21458; plus strand). Cytogenetic location: 4p14.
Variant type: single nucleotide variant.
Coding change: c.2527T>C on transcript NM_175737.4 (MANE Select); coding-DNA position 2527, T replaced by C.
Protein change: p.Ser843Pro; replaces serine 843 with proline.
Molecular consequence: missense variant.
Genome position (GRCh38, 1-based): chr4:39,447,253, T>C. VCF-style: chr4-39447253-T-C. GRCh37 (hg19) VCF-style: chr4-39448873-T-C.
Other names: short protein forms S843P.
Identifiers: ClinVar variation 2051293 (VCV002051293.4), dbSNP rs141659232, ClinGen allele CA2894025.

ClinVar aggregate classification (germline): Uncertain significance (1 of 4 stars; one submission).

Allele frequency attached by ClinVar (database versions not stated): gnomAD 0.00017; ESP Exome Variant Server 0.00008; gnomAD exomes 0.00025; TOPMed 0.00006; ExAC 0.00046.
gnomAD v4.1: 393 of 1,613,978 alleles (0.024%); highest among the groups gnomAD compares: Non-Finnish European, 0.028%; no homozygotes.

Submission:

Labcorp Genetics (formerly Invitae), Labcorp
Classification: Uncertain significance. Last evaluated: 2024-03-01. Review status: criteria provided, single submitter. Criteria: Invitae Variant Classification Sherloc (09022015). Collection method: clinical testing. Allele origin: germline.
Comment: This sequence change replaces serine, which is neutral and polar, with proline, which is neutral and non-polar, at codon 843 of the KLB protein (p.Ser843Pro). This variant is present in population databases (rs141659232, gnomAD 0.06%), and has an allele count higher than expected for a pathogenic variant. This variant has not been reported in the literature in individuals affected with KLB-related conditions. ClinVar contains an entry for this variant (Variation ID: 2051293). Advanced modeling of protein sequence and biophysical properties (such as structural, functional, and spatial information, amino acid conservation, physicochemical variation, residue mobility, and thermodynamic stability) performed at Invitae indicates that this missense variant is not expected to disrupt KLB protein function with a negative predictive value of 80%. In summary, the available evidence is currently insufficient to determine the role of this variant in disease. Therefore, it has been classified as a Variant of Uncertain Significance.